The following is an entry in ClinVar:

ClinVar aggregate classification (germline): Uncertain significance (1 of 4 stars; one submission).

Conditions:
Glycogen storage disease, type V (GSD5). Also called: MCARDLE DISEASE; McArdle type glycogen storage disease; MUSCLE GLYCOGEN PHOSPHORYLASE DEFICIENCY; MYOPHOSPHORYLASE DEFICIENCY; PYGM DEFICIENCY. Identifiers: Orphanet 368, MedGen C0017924, MONDO:0009293, OMIM 232600.

Allele frequency attached by ClinVar (database versions not stated): gnomAD exomes below 0.00001.
gnomAD v4.1: 1 of 1,606,950 alleles (0.000062%); highest among the groups gnomAD compares: Non-Finnish European, 0.000085%; no homozygotes.

Submission:

Labcorp Genetics (formerly Invitae), Labcorp
Classification: Uncertain significance for Glycogen storage disease, type V. Last evaluated: 2021-05-09. Review status: criteria provided, single submitter. Criteria: Invitae Variant Classification Sherloc (09022015). Collection method: clinical testing. Allele origin: germline.
Comment: This sequence change replaces histidine with glutamine at codon 378 of the PYGM protein (p.His378Gln). The histidine residue is highly conserved and there is a small physicochemical difference between histidine and glutamine. In summary, the available evidence is currently insufficient to determine the role of this variant in disease. Therefore, it has been classified as a Variant of Uncertain Significance. Algorithms developed to predict the effect of missense changes on protein structure and function are either unavailable or do not agree on the potential impact of this missense change (SIFT: "Not Available"; PolyPhen-2: "Probably Damaging"; Align-GVGD: "Not Available"). This variant has been observed in individual(s) with McArdle disease (Invitae). This variant is not present in population databases (ExAC no frequency).

NM_005609.4(PYGM):c.1134C>A (p.His378Gln)

Gene: PYGM (glycogen phosphorylase, muscle associated; minus strand). Cytogenetic location: 11q13.1.
Variant type: single nucleotide variant.
Coding change: c.1134C>A on transcript NM_005609.4 (MANE Select); coding-DNA position 1134, C replaced by A.
Protein change: p.His378Gln; replaces histidine 378 with glutamine.
Molecular consequence: missense variant.
Genome position (GRCh38, 1-based): chr11:64,753,984, G>T on the plus strand (C>A on the coding strand, the complement: PYGM is on the minus strand). VCF-style: chr11-64753984-G-T. GRCh37 (hg19) VCF-style: chr11-64521456-G-T.
Other names: c.870C>A, p.His290Gln (NM_001164716.1); short protein forms H378Q, H290Q.
Identifiers: ClinVar variation 1422169 (VCV001422169.6), dbSNP rs2135834122, ClinGen allele CA381176741.